The following is an entry in ClinVar:

ClinVar aggregate classification (germline): Uncertain significance (1 of 4 stars; one submission).

Conditions:
Intellectual disability, X-linked, with or without seizures, ARX-related. Also called: Mental retardation, X-linked 52; MENTAL RETARDATION, X-LINKED 29; MENTAL RETARDATION, X-LINKED 32; MENTAL RETARDATION, X-LINKED 33; MENTAL RETARDATION, X-LINKED 38; MENTAL RETARDATION, X-LINKED 43. Identifiers: Orphanet 777, MedGen C0796244, MONDO:0010317, OMIM 300419.
Developmental and epileptic encephalopathy, 1 (DEE1). Also called: X-linked infantile spasms; West's syndrome; Tonic spasms with clustering, arrest of psychomotor development and hypsarrhythmia on EEG; X-Linked Infantile Spasm Syndrome; INFANTILE SPASM SYNDROME, X-LINKED 1; OHTAHARA SYNDROME, X-LINKED. Identifiers: MedGen C3463992, MONDO:0010632, OMIM 308350. Disease mechanism: loss of function.

Submission:

Labcorp Genetics (formerly Invitae), Labcorp
Classification: Uncertain significance for Developmental and epileptic encephalopathy, 1; Intellectual disability, X-linked, with or without seizures, ARX-related. Last evaluated: 2024-02-24. Review status: criteria provided, single submitter. Criteria: Invitae Variant Classification Sherloc (09022015). Collection method: clinical testing. Allele origin: germline.
Comment: This variant, c.441_446dup, results in the insertion of 2 amino acid(s) of the ARX protein (p.Ala154_Ala155dup), but otherwise preserves the integrity of the reading frame. The frequency data for this variant in the population databases is considered unreliable, as metrics indicate insufficient coverage at this position in the gnomAD database. This variant has not been reported in the literature in individuals affected with ARX-related conditions. ClinVar contains an entry for this variant (Variation ID: 1426196). In summary, the available evidence is currently insufficient to determine the role of this variant in disease. Therefore, it has been classified as a Variant of Uncertain Significance.

NM_139058.3(ARX):c.441_446dup (p.Ala154_Ala155dup)

Genes: ARX (aristaless related homeobox; minus strand), LOC109610631 (aristaless related homeobox polyalanine expansion region; plus strand). Cytogenetic location: Xp21.3.
Variant type: Duplication.
Coding change: c.441_446dup on transcript NM_139058.3 (MANE Select); coding-DNA positions 441 to 446, 6 bases duplicated (AGCCGC; older notation c.441_446dupAGCCGC).
Protein change: p.Ala154_Ala155dup.
Molecular consequence: inframe insertion.
Genome position (GRCh38, 1-based): chrX:25,013,549-25,013,554, GCGGCT duplicated on the plus strand (AGCCGC on the coding strand, the reverse complement: ARX is on the minus strand); duplicating any 6 consecutive bases within chrX:25,013,549-25,013,556 gives the same sequence; the c. name uses the placement nearest the transcript's 3' end. VCF-style (leftmost placement, unchanged base first): chrX-25013548-C-CGCGGCT. GRCh37 (hg19) VCF-style: chrX-25031665-C-CGCGGCT.
Identifiers: ClinVar variation 1426196 (VCV001426196.6), dbSNP rs1460450589, ClinGen allele CA874147745.